The following is an entry in ClinVar:

ClinVar aggregate classification (germline): Uncertain significance (1 of 4 stars; one submission).

Submission:

Labcorp Genetics (formerly Invitae), Labcorp
Classification: Uncertain significance. Last evaluated: 2021-09-26. Review status: criteria provided, single submitter. Criteria: Invitae Variant Classification Sherloc (09022015). Collection method: clinical testing. Allele origin: germline.
Comment: In summary, the available evidence is currently insufficient to determine the role of this variant in disease. Therefore, it has been classified as a Variant of Uncertain Significance. Variants that disrupt the consensus splice site are a relatively common cause of aberrant splicing (PMID: 17576681, 9536098). Algorithms developed to predict the effect of sequence changes on RNA splicing suggest that this variant may disrupt the consensus splice site. This variant has been observed in individual(s) with clinical features of PDE6A-related conditions (Invitae). This variant is not present in population databases (ExAC no frequency). This sequence change falls in intron 1 of the PDE6A gene. It does not directly change the encoded amino acid sequence of the PDE6A protein. It affects a nucleotide within the consensus splice site of the intron.

Literature cited by the submitters: PubMed 17576681; PubMed 9536098.

NM_000440.3(PDE6A):c.474+3A>T

Gene: PDE6A (phosphodiesterase 6A; minus strand). Cytogenetic location: 5q32.
Variant type: single nucleotide variant.
Coding change: c.474+3A>T on transcript NM_000440.3 (MANE Select); 3 bases into the intron after coding-DNA position 474, A replaced by T.
Molecular consequence: intron variant.
Genome position (GRCh38, 1-based): chr5:149,944,197, T>A on the plus strand (A>T on the coding strand, the complement: PDE6A is on the minus strand). VCF-style: chr5-149944197-T-A. GRCh37 (hg19) VCF-style: chr5-149323760-T-A.
Identifiers: ClinVar variation 1383362 (VCV001383362.6), dbSNP rs2113673014, ClinGen allele CA2573139268.